The following is an entry in ClinVar:

NM_032043.3(BRIP1):c.1242G>A (p.Gln414=)

Gene: BRIP1 (BRCA1 interacting DNA helicase 1; minus strand). Cytogenetic location: 17q23.2.
Variant type: single nucleotide variant.
Coding change: c.1242G>A on transcript NM_032043.3 (MANE Select); coding-DNA position 1242, G replaced by A.
Protein change: p.Gln414=; no amino-acid change (glutamine 414 retained).
Molecular consequence: synonymous variant.
Genome position (GRCh38, 1-based): chr17:61,799,198, C>T on the plus strand (G>A on the coding strand, the complement: BRIP1 is on the minus strand). VCF-style: chr17-61799198-C-T. GRCh37 (hg19) VCF-style: chr17-59876559-C-T.
Identifiers: ClinVar variation 925080 (VCV000925080.3), dbSNP rs1257200897, ClinGen allele CA501151538.

ClinVar aggregate classification (germline): Benign/Likely benign. Review status: criteria provided, multiple submitters, no conflicts (2 of 4 stars). 2 submissions from 2 submitters: Benign (1); Likely benign (1). Last evaluated 2024-08-26.

Conditions:
Hereditary cancer-predisposing syndrome. Also called: Neoplastic Syndromes, Hereditary; Tumor predisposition; Hereditary Cancer Syndrome; Hereditary neoplastic syndrome. Identifiers: Orphanet 140162, MedGen C0027672, MeSH D009386, MONDO:0015356.
Familial cancer of breast. Also called: BREAST CANCER, FAMILIAL; Hereditary breast cancer; hereditary breast carcinoma. Identifiers: Orphanet 227535, MedGen C0346153, MONDO:0016419, OMIM 114480. Disease mechanism: loss of function.

Allele frequency attached by ClinVar (database versions not stated): TOPMed 0.00001.

Submissions (2):

Myriad Genetics, Inc.
Classification: Benign for Familial cancer of breast. Last evaluated: 2024-08-26. Review status: criteria provided, single submitter. Criteria: Myriad Autosomal Dominant, Autosomal Recessive and X-Linked Classification Criteria (2023). Collection method: clinical testing. Allele origin: unknown.
Comment: This variant is considered benign. This variant is a silent/synonymous amino acid change and it is not expected to impact splicing.

Color Diagnostics, LLC DBA Color Health
Classification: Likely benign for Hereditary cancer-predisposing syndrome. Last evaluated: 2019-08-21. Review status: criteria provided, single submitter. Criteria: ACMG Guidelines, 2015. Collection method: clinical testing. Allele origin: germline.